The following is an entry in ClinVar:

NM_001376.5(DYNC1H1):c.7882C>A (p.Pro2628Thr)

Gene: DYNC1H1 (dynein cytoplasmic 1 heavy chain 1; plus strand). Cytogenetic location: 14q32.31.
Variant type: single nucleotide variant.
Coding change: c.7882C>A on transcript NM_001376.5 (MANE Select); coding-DNA position 7882, C replaced by A.
Protein change: p.Pro2628Thr; replaces proline 2628 with threonine.
Molecular consequence: missense variant.
Genome position (GRCh38, 1-based): chr14:102,017,121, C>A. VCF-style: chr14-102017121-C-A. GRCh37 (hg19) VCF-style: chr14-102483458-C-A.
Other names: short protein forms P2628T.
Identifiers: ClinVar variation 4618107 (VCV004618107.1).
Genomic context (GRCh38, chr14:102,017,121, plus strand): 5'-GTGTGGTTTTGTGTCTTCCCTCCAAAGGTGGTGGGTCTCAACTTCTCCAGTGCTACTACT[C>A]CAGAGCTGCTTCTGAAGACTTTTGATCACTACTGCGAGTACAGGCGCACACCTAATGGGG-3'
Protein context (NP_001367.2, residues 2618-2638): VGLNFSSATT[Pro2628Thr]ELLLKTFDHY

ClinVar aggregate classification (germline): Uncertain significance (1 of 4 stars; one submission).

Conditions:
Inborn genetic diseases. Identifiers: MedGen C0950123, MeSH D030342.

gnomAD v4.1: 6 of 1,614,126 alleles (0.00037%); highest among the groups gnomAD compares: African/African-American, 0.004%; no homozygotes.

Submission:

Ambry Genetics
Classification: Uncertain significance for Inborn genetic diseases. Last evaluated: 2025-12-09. Review status: criteria provided, single submitter. Criteria: Ambry Variant Classification Scheme 2023. Collection method: clinical testing. Allele origin: germline.
Comment: The c.7882C>A (p.P2628T) alteration is located in exon 39 (coding exon 39) of the DYNC1H1 gene. This alteration results from a C to A substitution at nucleotide position 7882, causing the proline (P) at amino acid position 2628 to be replaced by a threonine (T). Based on data from gnomAD, the A allele has an overall frequency of <0.001% (1/251484) total alleles studied. The highest observed frequency was 0.006% (1/16256) of African alleles. Based on insufficient or conflicting evidence, the clinical significance of this alteration remains unclear.